The following is an entry in ClinVar:

ClinVar aggregate classification (germline): Uncertain significance. Review status: criteria provided, multiple submitters, no conflicts (2 of 4 stars). 2 submissions from 2 submitters: Uncertain significance (2). Last evaluated 2025-09-28.

Conditions:
Inborn genetic diseases. Identifiers: MedGen C0950123, MeSH D030342.

Allele frequency attached by ClinVar (database versions not stated): ExAC 0.00001; gnomAD 0.00001; gnomAD exomes 0.00002.
gnomAD v4.1: 36 of 1,613,646 alleles (0.0022%); highest among the groups gnomAD compares: Non-Finnish European, 0.003%; no homozygotes.

Submissions (2):

Ambry Genetics
Classification: Uncertain significance for Inborn genetic diseases. Last evaluated: 2025-09-28. Review status: criteria provided, single submitter. Criteria: Ambry Variant Classification Scheme 2023. Collection method: clinical testing. Allele origin: germline.

Labcorp Genetics (formerly Invitae), Labcorp
Classification: Uncertain significance. Last evaluated: 2021-12-08. Review status: criteria provided, single submitter. Criteria: Invitae Variant Classification Sherloc (09022015). Collection method: clinical testing. Allele origin: germline.
Comment: This sequence change replaces leucine, which is neutral and non-polar, with glutamine, which is neutral and polar, at codon 472 of the SLC24A5 protein (p.Leu472Gln). This variant is present in population databases (rs747586461, gnomAD 0.0009%). This variant has not been reported in the literature in individuals affected with SLC24A5-related conditions. Algorithms developed to predict the effect of missense changes on protein structure and function are either unavailable or do not agree on the potential impact of this missense change (SIFT: "Deleterious"; PolyPhen-2: "Probably Damaging"; Align-GVGD: "Class C0"). In summary, the available evidence is currently insufficient to determine the role of this variant in disease. Therefore, it has been classified as a Variant of Uncertain Significance.

NM_205850.3(SLC24A5):c.1415T>A (p.Leu472Gln)

Genes: MYEF2 (myelin expression factor 2; minus strand), SLC24A5 (solute carrier family 24 member 5; plus strand). Cytogenetic location: 15q21.1.
Variant type: single nucleotide variant.
Coding change: c.1415T>A on transcript NM_205850.3 (MANE Select); coding-DNA position 1415, T replaced by A.
Protein change: p.Leu472Gln; replaces leucine 472 with glutamine.
Molecular consequence: missense variant. On other transcripts: 3 prime UTR variant (2).
Genome position (GRCh38, 1-based): chr15:48,142,263, T>A. VCF-style: chr15-48142263-T-A. GRCh37 (hg19) VCF-style: chr15-48434460-T-A.
Other names: c.1415T>A (NM_205850.2); c.*645A>T (NM_001301210.2, NM_016132.5); short protein forms L472Q.
Identifiers: ClinVar variation 1939801 (VCV001939801.6), dbSNP rs747586461, ClinGen allele CA7546126.